The following is an entry in ClinVar:

NM_022124.6(CDH23):c.8818del (p.His2940fs)

Gene: CDH23 (cadherin related 23; plus strand). Cytogenetic location: 10q22.1.
Variant type: Deletion.
Coding change: c.8818del on transcript NM_022124.6 (MANE Select); coding-DNA position 8818, one base deleted (C; older notation c.8818delC).
Protein change: p.His2940fs; shifts the reading frame from histidine 2940.
Molecular consequence: frameshift variant.
Genome position (GRCh38, 1-based): chr10:71,809,915, C deleted; the last of 2 consecutive C bases (chr10:71,809,914-71,809,915); deleting either gives the same sequence. VCF-style (leftmost placement, unchanged base first): chr10-71809913-GC-G. GRCh37 (hg19) VCF-style: chr10-73569670-GC-G.
Other names: c.2098del, p.His700fs (NM_001171933.1, NM_001171934.1); short protein forms H2940fs, H700fs.
Identifiers: ClinVar variation 4999460 (VCV004999460.1).

ClinVar aggregate classification (germline): Likely pathogenic (1 of 4 stars; one submission).

Conditions:
CDH23-related disorder. Also called: CDH23-related condition; CDH23-related disorders.

Submission:

PreventionGenetics, part of Exact Sciences
Classification: Likely pathogenic for CDH23-related condition. Last evaluated: 2024-11-03. Review status: criteria provided, single submitter. Criteria: ACMG Guidelines, 2015. Collection method: clinical testing. Allele origin: germline.
Comment: The CDH23 c.8818delC variant is predicted to result in a frameshift and premature protein termination (p.His2940Thrfs*12). To our knowledge, this variant has not been reported in the literature or in a large population database (gnomAD), indicating this variant is rare. Frameshift variants in CDH23 are expected to be pathogenic. This variant is interpreted as likely pathogenic.